The following is an entry in ClinVar:

NM_001256864.2(DNAJC6):c.745A>G (p.Ile249Val)

Gene: DNAJC6 (DnaJ heat shock protein family (Hsp40) member C6; plus strand). Cytogenetic location: 1p31.3.
Variant type: single nucleotide variant.
Coding change: c.745A>G on transcript NM_001256864.2 (MANE Select); coding-DNA position 745, A replaced by G.
Protein change: p.Ile249Val; replaces isoleucine 249 with valine.
Molecular consequence: missense variant.
Genome position (GRCh38, 1-based): chr1:65,384,271, A>G. VCF-style: chr1-65384271-A-G. GRCh37 (hg19) VCF-style: chr1-65849954-A-G.
Other names: c.535A>G, p.Ile179Val (NM_001256865.2); c.574A>G, p.Ile192Val (NM_014787.4); short protein forms I249V, I179V, I192V.
Identifiers: ClinVar variation 541544 (VCV000541544.42), dbSNP rs149588872, ClinGen allele CA893746.

ClinVar aggregate classification (germline): Benign/Likely benign. Review status: criteria provided, multiple submitters, no conflicts (2 of 4 stars). 6 submissions from 6 submitters: Benign (4); Likely benign (1). 1 of the submissions does not count toward it. Last evaluated 2025-07-31.

Conditions:
DNAJC6-related disorder. Also called: DNAJC6-Related Disorders; DNAJC6-related condition.
Juvenile onset Parkinson disease 19A. Also called: PARK19; DNAJC6 Parkinson Disease. Identifiers: Orphanet 391411, MedGen C3809811, MONDO:0014231, OMIM 615528.

Allele frequency attached by ClinVar (database versions not stated): gnomAD 0.00330 and 0.00357; 1000 Genomes Project 30x 0.00344; ESP Exome Variant Server 0.00346; TOPMed 0.00393; gnomAD exomes 0.00118 and 0.00062; ExAC 0.00134; 1000 Genomes Project 0.00280.
gnomAD v4.1: 1,464 of 1,589,712 alleles (0.092%); highest among the groups gnomAD compares: African/African-American, 0.92%; 9 homozygotes.

Submissions (6):

Labcorp Genetics (formerly Invitae), Labcorp
Classification: Benign for Juvenile onset Parkinson disease 19A. Last evaluated: 2025-07-31. Review status: criteria provided, single submitter. Criteria: Invitae Variant Classification Sherloc (09022015). Collection method: clinical testing. Allele origin: germline.

Genome-Nilou Lab
Classification: Benign for Juvenile onset Parkinson disease 19A. Last evaluated: 2023-04-11. Review status: criteria provided, single submitter. Criteria: ACMG Guidelines, 2015. Collection method: clinical testing. Allele origin: germline. Affected: no.

CeGaT Center for Human Genetics Tuebingen
Classification: Likely benign. Last evaluated: 2023-04-01. Review status: criteria provided, single submitter. Criteria: CeGaT Center For Human Genetics Tuebingen Variant Classification Criteria Version 2. Collection method: clinical testing. Allele origin: germline. Affected: yes. Observed: 1 variant allele.
Comment: DNAJC6: BS2

GeneDx
Classification: Benign. Last evaluated: 2020-06-22. Review status: criteria provided, single submitter. Criteria: GeneDx Variant Classification Process June 2021. Collection method: clinical testing. Allele origin: germline. Affected: yes.

Breakthrough Genomics
Classification: Benign. Review status: criteria provided, single submitter. Criteria: ACMG Guidelines, 2015. Collection method: not provided. Allele origin: germline. Inheritance: Autosomal recessive inheritance. Affected: yes.

PreventionGenetics, part of Exact Sciences
Classification: Benign for DNAJC6-related condition. Last evaluated: 2019-10-23. Review status: no assertion criteria provided. Collection method: clinical testing. Allele origin: germline. Not counted in ClinVar's aggregate classification.
Comment: This variant is classified as benign based on ACMG/AMP sequence variant interpretation guidelines (Richards et al. 2015 PMID: 25741868, with internal and published modifications).